The following is an entry in ClinVar:

ClinVar aggregate classification (germline): Uncertain significance (1 of 4 stars; one submission).

Allele frequency attached by ClinVar (database versions not stated): TOPMed below 0.00001; ExAC 0.00001; gnomAD exomes 0.00001.
gnomAD v4.1: 9 of 1,610,164 alleles (0.00056%); highest among the groups gnomAD compares: Admixed American, 0.0034%; no homozygotes.

Submission:

Labcorp Genetics (formerly Invitae), Labcorp
Classification: Uncertain significance. Last evaluated: 2025-03-17. Review status: criteria provided, single submitter. Criteria: Invitae Variant Classification Sherloc (09022015). Collection method: clinical testing. Allele origin: germline.
Comment: This sequence change replaces serine, which is neutral and polar, with glycine, which is neutral and non-polar, at codon 10 of the KLHL7 protein (p.Ser10Gly). This variant is present in population databases (rs781538844, gnomAD 0.009%). This variant has not been reported in the literature in individuals affected with KLHL7-related conditions. ClinVar contains an entry for this variant (Variation ID: 1357706). An algorithm developed to predict the effect of missense changes on protein structure and function (PolyPhen-2) suggests that this variant is likely to be tolerated. In summary, the available evidence is currently insufficient to determine the role of this variant in disease. Therefore, it has been classified as a Variant of Uncertain Significance.

NM_001031710.3(KLHL7):c.28A>G (p.Ser10Gly)

Gene: KLHL7 (kelch like family member 7; plus strand). Cytogenetic location: 7p15.3.
Variant type: single nucleotide variant.
Coding change: c.28A>G on transcript NM_001031710.3 (MANE Select); coding-DNA position 28, A replaced by G.
Protein change: p.Ser10Gly; replaces serine 10 with glycine.
Molecular consequence: missense variant. On other transcripts: non-coding transcript variant (2).
Genome position (GRCh38, 1-based): chr7:23,106,054, A>G. VCF-style: chr7-23106054-A-G. GRCh37 (hg19) VCF-style: chr7-23145673-A-G.
Other names: c.28A>G, p.Ser10Gly (NM_001172428.2); short protein forms S10G.
Identifiers: ClinVar variation 1357706 (VCV001357706.6), dbSNP rs781538844, ClinGen allele CA4186218.